The following is an entry in ClinVar:

NM_015386.3(COG4):c.2216C>T (p.Thr739Ile)

Gene: COG4 (component of oligomeric golgi complex 4; minus strand). Cytogenetic location: 16q22.1.
Variant type: single nucleotide variant.
Coding change: c.2216C>T on transcript NM_015386.3 (MANE Select); coding-DNA position 2216, C replaced by T.
Protein change: p.Thr739Ile; replaces threonine 739 with isoleucine.
Molecular consequence: missense variant. On other transcripts: non-coding transcript variant (1).
Genome position (GRCh38, 1-based): chr16:70,481,378, G>A on the plus strand (C>T on the coding strand, the complement: COG4 is on the minus strand). VCF-style: chr16-70481378-G-A. GRCh37 (hg19) VCF-style: chr16-70515281-G-A.
Other names: c.2141C>T, p.Thr714Ile (NM_001195139.2); c.1790C>T, p.Thr597Ile (NM_001365426.1); short protein forms T597I, T714I, T739I.
Identifiers: ClinVar variation 1309270 (VCV001309270.2), dbSNP rs2151736844, ClinGen allele CA396577929.

ClinVar aggregate classification (germline): Uncertain significance (1 of 4 stars; one submission).

gnomAD v4.1: 1 of 1,613,278 alleles (0.000062%); highest among the groups gnomAD compares: Non-Finnish European, 0.000085%; no homozygotes.

Submission:

GeneDx
Classification: Uncertain significance. Last evaluated: 2019-10-15. Review status: criteria provided, single submitter. Criteria: GeneDx Variant Classification Process June 2021. Collection method: clinical testing. Allele origin: germline. Affected: yes.
Comment: Not observed in large population cohorts (Lek et al., 2016); In silico analysis, which includes protein predictors and evolutionary conservation, supports a deleterious effect; Has not been previously published as pathogenic or benign to our knowledge